The following is an entry in ClinVar:

NM_001204.7(BMPR2):c.76+2T>C

Gene: BMPR2 (bone morphogenetic protein receptor type 2; plus strand). Cytogenetic location: 2q33.1.
Variant type: single nucleotide variant.
Coding change: c.76+2T>C on transcript NM_001204.7 (MANE Select); the canonical splice donor site of the intron after coding-DNA position 76, T replaced by C.
Molecular consequence: splice donor variant.
Genome position (GRCh38, 1-based): chr2:202,377,552, T>C. VCF-style: chr2-202377552-T-C. GRCh37 (hg19) VCF-style: chr2-203242275-T-C.
Identifiers: ClinVar variation 425689 (VCV000425689.5), dbSNP rs1085307156, ClinGen allele CA350396817.

ClinVar aggregate classification (germline): Pathogenic. Review status: criteria provided, single submitter (1 of 4 stars). 3 submissions from 3 submitters: Pathogenic (1). 2 of the submissions do not count toward it. Last evaluated 2025-05-14.

Conditions:
Idiopathic and/or familial pulmonary arterial hypertension. Identifiers: Orphanet 422, MedGen C5679820, MONDO:0008347.
Pulmonary arterial hypertension. Identifiers: Orphanet 182090, MedGen C2973725, MeSH D000081029, MONDO:0015924, HP:0002092.
Primary pulmonary hypertension. Also called: Idiopathic pulmonary hypertension. Identifiers: MedGen C0152171.
Pulmonary hypertension, primary, 1 (PPH1). Also called: Pulmonary hypertension, familial primary, 1, with or without HHT. Identifiers: Orphanet 422, MedGen C4552070, MONDO:0024533, OMIM 178600.

Submissions (3):

Labcorp Genetics (formerly Invitae), Labcorp
Classification: Pathogenic for Primary pulmonary hypertension. Last evaluated: 2025-05-14. Review status: criteria provided, single submitter. Criteria: Invitae Variant Classification Sherloc (09022015). Collection method: clinical testing. Allele origin: germline.
Comment: This sequence change affects a donor splice site in intron 1 of the BMPR2 gene. It is expected to disrupt RNA splicing. Variants that disrupt the donor or acceptor splice site typically lead to a loss of protein function (PMID: 16199547), and loss-of-function variants in BMPR2 are known to be pathogenic (PMID: 16429395). This variant is not present in population databases (gnomAD no frequency). Disruption of this splice site has been observed in individuals with pulmonary arterial hypertension (PMID: 26387786, 31727138, 33066286). ClinVar contains an entry for this variant (Variation ID: 425689). Algorithms developed to predict the effect of sequence changes on RNA splicing suggest that this variant may disrupt the consensus splice site. For these reasons, this variant has been classified as Pathogenic.

Rare Disease Genomics Group, St George's University of London
Classification: Pathogenic for Primary pulmonary hypertension. Review status: no assertion criteria provided. Collection method: literature only. Allele origin: germline. Affected: yes. Not counted in ClinVar's aggregate classification.

Wendy Chung Laboratory, Boston Children's Hospital
No classification provided. Condition: Idiopathic and/or familial pulmonary arterial hypertension. Review status: no classification provided. Collection method: literature only. Allele origin: germline. Affected: yes. Not counted in ClinVar's aggregate classification.

Literature cited by the submitters: PubMed 16199547 (cited by Labcorp Genetics (formerly Invitae), Labcorp); PubMed 16429395 (cited by Labcorp Genetics (formerly Invitae), Labcorp); PubMed 26387786 (cited by Labcorp Genetics (formerly Invitae), Labcorp and Rare Disease Genomics Group, St George's University of London); PubMed 31727138 (cited by Labcorp Genetics (formerly Invitae), Labcorp and Wendy Chung Laboratory, Boston Children's Hospital); PubMed 33066286 (cited by Labcorp Genetics (formerly Invitae), Labcorp).